The following is an entry in ClinVar:

ClinVar aggregate classification (germline): Uncertain significance. Review status: criteria provided, multiple submitters, no conflicts (2 of 4 stars). 2 submissions from 2 submitters: Uncertain significance (2). Last evaluated 2025-03-19.

Conditions:
Familial cold autoinflammatory syndrome 3 (FCAS3). Also called: FAMILIAL ATYPICAL COLD URTICARIA; ANTIBODY DEFICIENCY AND IMMUNE DYSREGULATION, PLCG2-ASSOCIATED. Identifiers: Orphanet 300359, MedGen C3280914, MONDO:0013766, OMIM 614468.
PLCG2-related disorder. Also called: PLCG2-related condition.

gnomAD v4.1: 2 of 1,613,986 alleles (0.00012%); highest among the groups gnomAD compares: Non-Finnish European, 0.00017%; no homozygotes.

Submissions (2):

PreventionGenetics, part of Exact Sciences
Classification: Uncertain significance for PLCG2-related condition. Last evaluated: 2025-03-19. Review status: criteria provided, single submitter. Criteria: ACMG Guidelines, 2015. Collection method: clinical testing. Allele origin: germline.
Comment: The PLCG2 c.247G>A variant is predicted to result in the amino acid substitution p.Glu83Lys. To our knowledge, this variant has not been reported in the literature or in a large population database (gnomAD), indicating this variant is rare. At this time, the clinical significance of this variant is uncertain due to the absence of conclusive functional and genetic evidence.

Labcorp Genetics (formerly Invitae), Labcorp
Classification: Uncertain significance for Familial cold autoinflammatory syndrome 3. Last evaluated: 2024-02-14. Review status: criteria provided, single submitter. Criteria: Invitae Variant Classification Sherloc (09022015). Collection method: clinical testing. Allele origin: germline.
Comment: This sequence change replaces glutamic acid, which is acidic and polar, with lysine, which is basic and polar, at codon 83 of the PLCG2 protein (p.Glu83Lys). This variant is not present in population databases (gnomAD no frequency). This variant has not been reported in the literature in individuals affected with PLCG2-related conditions. An algorithm developed to predict the effect of missense changes on protein structure and function (PolyPhen-2) suggests that this variant is likely to be tolerated. In summary, the available evidence is currently insufficient to determine the role of this variant in disease. Therefore, it has been classified as a Variant of Uncertain Significance.

NM_002661.5(PLCG2):c.247G>A (p.Glu83Lys)

Gene: PLCG2 (phospholipase C gamma 2; plus strand). Cytogenetic location: 16q23.3.
Variant type: single nucleotide variant.
Coding change: c.247G>A on transcript NM_002661.5 (MANE Select); coding-DNA position 247, G replaced by A.
Protein change: p.Glu83Lys; replaces glutamic acid 83 with lysine.
Molecular consequence: missense variant.
Genome position (GRCh38, 1-based): chr16:81,854,497, G>A. VCF-style: chr16-81854497-G-A. GRCh37 (hg19) VCF-style: chr16-81888102-G-A.
Other names: c.247G>A, p.Glu83Lys (NM_001425749.1, NM_001425750.1, NM_001425751.1); c.247G>A (NM_002661.4); short protein forms E83K.
Identifiers: ClinVar variation 3605712 (VCV003605712.3).